The following is an entry in ClinVar:

NM_058216.3(RAD51C):c.289_292delinsTGCTCCT (p.Gln97_Gly98delinsCysSerCys)

Gene: RAD51C (RAD51 paralog C; plus strand). Cytogenetic location: 17q22.
Variant type: Indel.
Coding change: c.289_292delinsTGCTCCT on transcript NM_058216.3 (MANE Select); coding-DNA positions 289 to 292, CAGG replaced by TGCTCCT.
Protein change: p.Gln97_Gly98delinsCysSerCys.
Molecular consequence: inframe indel. On other transcripts: non-coding transcript variant (2).
Genome position (GRCh38, 1-based): chr17:58,695,074-58,695,077, CAGG replaced by TGCTCCT. VCF-style: chr17-58695074-CAGG-TGCTCCT. GRCh37 (hg19) VCF-style: chr17-56772435-CAGG-TGCTCCT.
Other names: c.289_292delinsTGCTCCT, p.Gln97_Gly98delinsCysSerCys (NM_002876.4).
Identifiers: ClinVar variation 4862939 (VCV004862939.1).
Genomic context (GRCh38, chr17:58,695,074, plus strand): 5'-GGTACATCTGAGTCACACAAGAAGTGTACAGCACTGGAACTTCTTGAGCAGGAGCATACC[CAGG>TGCTCCT]GCTTCATAATCACCTTCTGTTCAGCACTAGATGATATTCTTGGGGGTGGAGTGCCCTTAA-3'

ClinVar aggregate classification (germline): Uncertain significance (1 of 4 stars; one submission).

Conditions:
Hereditary cancer-predisposing syndrome. Also called: Neoplastic Syndromes, Hereditary; Tumor predisposition; Hereditary Cancer Syndrome; Hereditary neoplastic syndrome. Identifiers: Orphanet 140162, MedGen C0027672, MeSH D009386, MONDO:0015356.

Submission:

Ambry Genetics
Classification: Uncertain significance for Hereditary cancer-predisposing syndrome. Last evaluated: 2026-06-02. Review status: criteria provided, single submitter. Criteria: Ambry Variant Classification Scheme 2023. Collection method: clinical testing. Allele origin: germline.
Comment: The c.289_292delCAGGinsTGCTCCT variant (also known as p.Q97_G98delinsCSC), located in coding exon 2 of the RAD51C gene, results from an in-frame deletion of CAGG and insertion of TGCTCCT at nucleotide positions 289 to 292. This results in the substitution of QG residues for SCS residues at codons 97 and 98. This amino acid region is well conserved in available vertebrate species. In addition, this variant is predicted to be deleterious by in silico analysis (Choi Y et al. PLoS ONE. 2012; 7(10):e46688). Based on the available evidence, the clinical significance of this variant remains unclear.